The following is an entry in ClinVar:

NM_001256012.3(MYH10):c.2164G>T (p.Asp722Tyr)

Gene: MYH10 (myosin heavy chain 10; minus strand). Cytogenetic location: 17p13.1.
Variant type: single nucleotide variant.
Coding change: c.2164G>T on transcript NM_001256012.3 (MANE Select); coding-DNA position 2164, G replaced by T.
Protein change: p.Asp722Tyr; replaces aspartic acid 722 with tyrosine.
Molecular consequence: missense variant.
Genome position (GRCh38, 1-based): chr17:8,520,987, C>A on the plus strand (G>T on the coding strand, the complement: MYH10 is on the minus strand). VCF-style: chr17-8520987-C-A. GRCh37 (hg19) VCF-style: chr17-8424305-C-A.
Other names: c.2098G>T, p.Asp700Tyr (NM_001256095.2); c.2101G>T, p.Asp701Tyr (NM_001375266.1); c.2071G>T, p.Asp691Tyr (NM_005964.5); short protein forms D691Y, D700Y, D701Y, D722Y.
Identifiers: ClinVar variation 2499832 (VCV002499832.1), dbSNP rs1360712620, ClinGen allele CA398040926.

ClinVar aggregate classification (germline): Uncertain significance (1 of 4 stars; one submission).

Allele frequency attached by ClinVar (database versions not stated): gnomAD exomes below 0.00001; TOPMed below 0.00001; gnomAD 0.00001.
gnomAD v4.1: 7 of 1,611,476 alleles (0.00043%); highest among the groups gnomAD compares: Non-Finnish European, 0.00051%; no homozygotes.

Submission:

GeneDx
Classification: Uncertain significance. Last evaluated: 2022-10-07. Review status: criteria provided, single submitter. Criteria: GeneDx Variant Classification Process June 2021. Collection method: clinical testing. Allele origin: germline. Affected: yes.
Comment: Not observed at significant frequency in large population cohorts (gnomAD); In silico analysis supports that this missense variant has a deleterious effect on protein structure/function; Has not been previously published as pathogenic or benign to our knowledge